The following is an entry in ClinVar:

NM_003998.4(NFKB1):c.469C>T (p.Arg157Ter)

Gene: NFKB1 (nuclear factor kappa B subunit 1; plus strand). Cytogenetic location: 4q24.
Variant type: single nucleotide variant.
Coding change: c.469C>T on transcript NM_003998.4 (MANE Select); coding-DNA position 469, C replaced by T.
Protein change: p.Arg157Ter; replaces arginine 157 with a stop codon.
Molecular consequence: nonsense.
Genome position (GRCh38, 1-based): chr4:102,576,937, C>T. VCF-style: chr4-102576937-C-T. GRCh37 (hg19) VCF-style: chr4-103498094-C-T.
Other names: c.466C>T, p.Arg156Ter (NM_001165412.2, NM_001319226.2, NM_001382627.1); c.469C>T, p.Arg157Ter (NM_001382625.1, NM_001382626.1); c.427C>T, p.Arg143Ter (NM_001382628.1); short protein forms R157*, R143*, R156*.
Identifiers: ClinVar variation 1064678 (VCV001064678.7), dbSNP rs2149181831, ClinGen allele CA357959176.

ClinVar aggregate classification (germline): Pathogenic. Review status: criteria provided, multiple submitters, no conflicts (2 of 4 stars). 3 submissions from 3 submitters: Pathogenic (2). 1 of the submissions does not count toward it. Last evaluated 2026-01-08.

Conditions:
Immunodeficiency, common variable, 12 (CVID12). Also called: IMMUNODEFICIENCY, COMMON VARIABLE, 12, WITH AUTOIMMUNITY; NFKB1 DEFICIENCY. Identifiers: Orphanet 1572, Orphanet 696874, MedGen C4225277, MONDO:0014697, OMIM 616576.

Submissions (3):

Labcorp Genetics (formerly Invitae), Labcorp
Classification: Pathogenic. Last evaluated: 2026-01-08. Review status: criteria provided, single submitter. Criteria: Invitae Variant Classification Sherloc (09022015). Collection method: clinical testing. Allele origin: germline.
Comment: This sequence change creates a premature translational stop signal (p.Arg157*) in the NFKB1 gene. It is expected to result in an absent or disrupted protein product. Loss-of-function variants in NFKB1 are known to be pathogenic (PMID: 26279205, 29477724). This variant is not present in population databases (gnomAD no frequency). This premature translational stop signal has been observed in individual(s) with clinical features of NKFB1 deficiency (PMID: 27365489). ClinVar contains an entry for this variant (Variation ID: 1064678). For these reasons, this variant has been classified as Pathogenic.

3billion
Classification: Pathogenic for Immunodeficiency, common variable, 12. Last evaluated: 2024-09-07. Review status: criteria provided, single submitter. Criteria: ACMG Guidelines, 2015. Collection method: clinical testing. Allele origin: germline. Affected: yes.
Comment: The variant is not observed in the gnomAD v4.0.0 dataset. Predicted Consequence/Location: Stop-gained (nonsense): predicted to result in a loss or disruption of normal protein function through nonsense-mediated decay (NMD) or protein truncation. Multiple pathogenic variants are reported downstream of the variant. The variant has been reported to be associated with NFKB1-related disorder (ClinVar ID: VCV001064678 /PMID: 27365489). Therefore, this variant is classified as Pathogenic according to the recommendation of ACMG/AMP guideline.

OMIM
Classification: Pathogenic for IMMUNODEFICIENCY, COMMON VARIABLE, 12, WITH AUTOIMMUNITY. Last evaluated: 2021-04-20. Review status: no assertion criteria provided. Collection method: literature only. Allele origin: germline. Not counted in ClinVar's aggregate classification.

Literature cited by the submitters: PubMed 26279205 (cited by Labcorp Genetics (formerly Invitae), Labcorp); PubMed 29477724 (cited by Labcorp Genetics (formerly Invitae), Labcorp); PubMed 27365489 (cited by 3 submitters).